The following is an entry in ClinVar:

NM_030958.3(SLCO5A1):c.538GTG[3] (p.Val183del)

Gene: SLCO5A1 (solute carrier organic anion transporter family member 5A1; minus strand). Cytogenetic location: 8q13.3.
Variant type: Microsatellite.
Coding change: c.538GTG[3] on transcript NM_030958.3 (MANE Select); three copies in a row of the 3-base unit GTG starting at c.538; the reference has four copies in a row; one copy, 3 bases deleted.
Protein change: p.Val183del; deletes valine 183.
Molecular consequence: inframe deletion.
Genome position (GRCh38, 1-based): chr8:69,832,125-69,832,127, CAC deleted on the plus strand (GTG on the coding strand, the reverse complement: SLCO5A1 is on the minus strand); deleting any 3 consecutive bases within chr8:69,832,125-69,832,138 gives the same sequence; the position shown is the placement nearest the transcript's 3' end. VCF-style (leftmost placement, unchanged base first): chr8-69832124-ACAC-A. GRCh37 (hg19) VCF-style: chr8-70744359-ACAC-A.
Other names: c.538GTG[3], p.Val183del (NM_001146008.2, NM_001146009.1); short protein forms V183del.
Identifiers: ClinVar variation 2121580 (VCV002121580.4), dbSNP rs770596818, ClinGen allele CA4776794.

ClinVar aggregate classification (germline): Uncertain significance (1 of 4 stars; one submission).

Submission:

Labcorp Genetics (formerly Invitae), Labcorp
Classification: Uncertain significance. Last evaluated: 2022-04-04. Review status: criteria provided, single submitter. Criteria: Invitae Variant Classification Sherloc (09022015). Collection method: clinical testing. Allele origin: germline.
Comment: This variant, c.547_549del, results in the deletion of 1 amino acid(s) of the SLCO5A1 protein (p.Val183del), but otherwise preserves the integrity of the reading frame. This variant is not present in population databases (gnomAD no frequency). This variant has not been reported in the literature in individuals affected with SLCO5A1-related conditions. Experimental studies and prediction algorithms are not available or were not evaluated, and the functional significance of this variant is currently unknown. In summary, the available evidence is currently insufficient to determine the role of this variant in disease. Therefore, it has been classified as a Variant of Uncertain Significance.